The following is an entry in ClinVar:

ClinVar aggregate classification (germline): Uncertain significance (1 of 4 stars; one submission).

Submission:

Labcorp Genetics (formerly Invitae), Labcorp
Classification: Uncertain significance. Last evaluated: 2022-03-26. Review status: criteria provided, single submitter. Criteria: Invitae Variant Classification Sherloc (09022015). Collection method: clinical testing. Allele origin: germline.
Comment: In summary, the available evidence is currently insufficient to determine the role of this variant in disease. Therefore, it has been classified as a Variant of Uncertain Significance. Advanced modeling of protein sequence and biophysical properties (such as structural, functional, and spatial information, amino acid conservation, physicochemical variation, residue mobility, and thermodynamic stability) performed at Invitae indicates that this missense variant is not expected to disrupt CDK13 protein function. This variant has not been reported in the literature in individuals affected with CDK13-related conditions. This variant is not present in population databases (gnomAD no frequency). This sequence change replaces glutamine, which is neutral and polar, with lysine, which is basic and polar, at codon 994 of the CDK13 protein (p.Gln994Lys).

NM_003718.5(CDK13):c.2980C>A (p.Gln994Lys)

Gene: CDK13 (cyclin dependent kinase 13; plus strand). Cytogenetic location: 7p14.1.
Variant type: single nucleotide variant.
Coding change: c.2980C>A on transcript NM_003718.5 (MANE Select); coding-DNA position 2980, C replaced by A.
Protein change: p.Gln994Lys; replaces glutamine 994 with lysine.
Molecular consequence: missense variant.
Genome position (GRCh38, 1-based): chr7:40,078,802, C>A. VCF-style: chr7-40078802-C-A. GRCh37 (hg19) VCF-style: chr7-40118401-C-A.
Other names: c.2980C>A, p.Gln994Lys (NM_031267.4); short protein forms Q994K.
Identifiers: ClinVar variation 2117012 (VCV002117012.4), dbSNP rs1306739977, ClinGen allele CA367291590.